The following is an entry in ClinVar:

NC_000003.11:g.(?_128199862)_(128205874_?)del

Gene: GATA2 (GATA binding protein 2; minus strand). Cytogenetic location: 3q21.3.
Variant type: Deletion.
Identifiers: ClinVar variation 1184018 (VCV001184018.1).

ClinVar aggregate classification (germline): Pathogenic (1 of 4 stars; one submission).

Conditions:
Deafness-lymphedema-leukemia syndrome. Also called: Emberger syndrome; Lymphedema, primary, with myelodysplasia. Identifiers: Orphanet 3226, MedGen C3279664, MONDO:0013540, OMIM 614038.
GATA2 deficiency with susceptibility to MDS/AML. Identifiers: MedGen CN300066, MONDO:0042982.

Submission:

Molecular Pathology Research Laboratory, SA Pathology
Classification: Pathogenic for GATA2 deficiency with susceptibility to MDS/AML; Deafness-lymphedema-leukemia syndrome. Last evaluated: 2021-07-06. Review status: criteria provided, single submitter. Criteria: ACMG Guidelines, 2015. Collection method: curation. Allele origin: unknown. Inheritance: Autosomal dominant inheritance. Affected: yes. Observed: 2 variant alleles.
Comment: PVS1, PS4_Moderate, PM2

Literature cited by the submitters: PubMed 29724903.